The following is an entry in ClinVar:

ClinVar aggregate classification (germline): Conflicting classifications of pathogenicity. Review status: criteria provided, conflicting classifications (1 of 4 stars). 2 submissions from 2 submitters: Uncertain significance (1); Likely benign (1). Last evaluated 2023-09-15.

Conditions:
CDK5RAP2-related disorder. Also called: CDK5RAP2-related condition.

Allele frequency attached by ClinVar (database versions not stated): ExAC 0.00001; gnomAD 0.00001; gnomAD exomes 0.00001; TOPMed 0.00002.
gnomAD v4.1: 11 of 1,598,886 alleles (0.00069%); highest among the groups gnomAD compares: Non-Finnish European, 0.00086%; no homozygotes.

Submissions (2):

PreventionGenetics, part of Exact Sciences
Classification: Uncertain significance for CDK5RAP2-related condition. Last evaluated: 2023-09-15. Review status: criteria provided, single submitter. Criteria: ACMG Guidelines, 2015. Collection method: clinical testing. Allele origin: germline.
Comment: The CDK5RAP2 c.5452-8C>T variant is predicted to interfere with splicing. To our knowledge, this variant has not been reported in the literature. This variant is reported in 0.0026% of alleles in individuals of European (Non-Finnish) descent in gnomAD. This variant could be benign. At this time, the clinical significance of this variant is uncertain due to the absence of conclusive functional and genetic evidence.

Labcorp Genetics (formerly Invitae), Labcorp
Classification: Likely benign. Last evaluated: 2022-07-06. Review status: criteria provided, single submitter. Criteria: Invitae Variant Classification Sherloc (09022015). Collection method: clinical testing. Allele origin: germline.

NM_018249.6(CDK5RAP2):c.5452-8C>T

Gene: CDK5RAP2 (CDK5 regulatory subunit associated protein 2; minus strand). Cytogenetic location: 9q33.2.
Variant type: single nucleotide variant.
Coding change: c.5452-8C>T on transcript NM_018249.6 (MANE Select); 8 bases into the intron before coding-DNA position 5452, C replaced by T.
Molecular consequence: intron variant.
Genome position (GRCh38, 1-based): chr9:120,394,646, G>A on the plus strand (C>T on the coding strand, the complement: CDK5RAP2 is on the minus strand). VCF-style: chr9-120394646-G-A. GRCh37 (hg19) VCF-style: chr9-123156924-G-A.
Other names: c.4762-8C>T (NM_001272039.2); c.5215-8C>T (NM_001011649.3); c.5452-8C>T (NM_018249.5).
Identifiers: ClinVar variation 1973788 (VCV001973788.6), dbSNP rs755755790, ClinGen allele CA5213258.
Genomic context (GRCh38, chr9:120,394,646, plus strand): 5'-TGTTCAAACAATTTTTTATGTAGTTTGGTGACCTCTGCCTTCATTTCTCCAATCTAAAGA[G>A]AAGAGAAATTAGAAAAATGAACAAAGAACATAAACATCATGTTACACAGGAAGAATTACA-3'